The following is an entry in ClinVar:

ClinVar aggregate classification (germline): Uncertain significance. Review status: criteria provided, multiple submitters, no conflicts (2 of 4 stars). 2 submissions from 2 submitters: Uncertain significance (2). Last evaluated 2025-07-17.

Conditions:
Walker-Warburg congenital muscular dystrophy. Also called: Muscular dystrophy-dystroglycanopathy, type A; Walker-Warburg syndrome. Identifiers: Orphanet 899, MedGen C0265221, MONDO:0000171.
Autosomal recessive limb-girdle muscular dystrophy type 2K. Also called: MUSCULAR DYSTROPHY-DYSTROGLYCANOPATHY (LIMB-GIRDLE), TYPE C, 1; MUSCULAR DYSTROPHY, LIMB-GIRDLE, TYPE 2K. Identifiers: Orphanet 86812, MedGen C1836373, MONDO:0012248, OMIM 609308.
Muscular dystrophy-dystroglycanopathy (congenital with impaired intellectual development), type B, 1. Also called: Muscular dystrophy-dystroglycanopathy (congenital with intellectual disability), type B1; MUSCULAR DYSTROPHY, CONGENITAL, POMT1-RELATED. Identifiers: MedGen C5436962, MONDO:0013159, OMIM 613155.

Allele frequency attached by ClinVar (database versions not stated): ExAC 0.00001; gnomAD exomes 0.00001.

Submissions (2):

Athena Diagnostics
Classification: Uncertain significance. Last evaluated: 2025-07-17. Review status: criteria provided, single submitter. Criteria: Athena Diagnostics Criteria. Collection method: clinical testing. Allele origin: unknown.
Comment: Available data are insufficient to determine the clinical significance of the variant at this time. The frequency of this variant in the general population is uninformative in assessment of its pathogenicity. Computational tools yielded predictions that this variant may interfere with normal RNA splicing.

Labcorp Genetics (formerly Invitae), Labcorp
Classification: Uncertain significance for Muscular dystrophy-dystroglycanopathy (congenital with impaired intellectual development), type B, 1; Walker-Warburg congenital muscular dystrophy; Autosomal recessive limb-girdle muscular dystrophy type 2K. Last evaluated: 2022-02-11. Review status: criteria provided, single submitter. Criteria: Invitae Variant Classification Sherloc (09022015). Collection method: clinical testing. Allele origin: germline.
Comment: This sequence change falls in intron 17 of the POMT1 gene. It does not directly change the encoded amino acid sequence of the POMT1 protein. It affects a nucleotide within the consensus splice site. This variant is present in population databases (rs756555783, gnomAD 0.02%). This variant has not been reported in the literature in individuals affected with POMT1-related conditions. Variants that disrupt the consensus splice site are a relatively common cause of aberrant splicing (PMID: 17576681, 9536098). Algorithms developed to predict the effect of sequence changes on RNA splicing suggest that this variant may disrupt the consensus splice site. In summary, the available evidence is currently insufficient to determine the role of this variant in disease. Therefore, it has been classified as a Variant of Uncertain Significance.

Literature cited by the submitters: PubMed 38361118 (cited by Athena Diagnostics); PubMed 17576681 (cited by Labcorp Genetics (formerly Invitae), Labcorp); PubMed 9536098 (cited by Labcorp Genetics (formerly Invitae), Labcorp).

NM_001077365.2(POMT1):c.1698+2dup

Gene: POMT1 (protein O-mannosyltransferase 1; plus strand). Cytogenetic location: 9q34.13.
Variant type: Duplication.
Coding change: c.1698+2dup on transcript NM_001077365.2 (MANE Select); the canonical splice donor site of the intron after coding-DNA position 1698, one base duplicated (T; older notation c.1698+2dupT).
Molecular consequence: splice donor variant.
Genome position (GRCh38, 1-based): chr9:131,520,195, T duplicated. VCF-style (leftmost placement, unchanged base first): chr9-131520194-G-GT. GRCh37 (hg19) VCF-style: chr9-134395581-G-GT.
Other names: c.1602+2dup (NM_001353198.2, NM_001353197.2); c.1764+2dup (NM_001353193.2, NM_007171.4, NM_007171.3); c.1698+2dup (NM_001136113.2); c.1536+2dup (NM_001353194.2, NM_001077366.2); c.1347+2dup (NM_001374691.1, NM_001353195.2, NM_001374692.1 and 2 more transcripts); c.1479+2dup (NM_001374690.1); c.1608+2dup (NM_001353196.2); c.1308+2dup (NM_001374695.1); and 3 more.
Identifiers: ClinVar variation 2197819 (VCV002197819.2), dbSNP rs756555783, ClinGen allele CA5293773.